The following is an entry in ClinVar:

ClinVar aggregate classification (germline): Uncertain significance (1 of 4 stars; one submission).

gnomAD v4.1: 59 of 1,612,972 alleles (0.0037%); highest among the groups gnomAD compares: Admixed American, 0.0083%; no homozygotes.

Submission:

Labcorp Genetics (formerly Invitae), Labcorp
Classification: Uncertain significance. Last evaluated: 2025-03-13. Review status: criteria provided, single submitter. Criteria: Invitae Variant Classification Sherloc (09022015). Collection method: clinical testing. Allele origin: germline.
Comment: This sequence change replaces proline, which is neutral and non-polar, with alanine, which is neutral and non-polar, at codon 293 of the SOX6 protein (p.Pro293Ala). This variant is present in population databases (rs76218238, gnomAD 0.01%). This variant has not been reported in the literature in individuals affected with SOX6-related conditions. ClinVar contains an entry for this variant (Variation ID: 2960680). Invitae Evidence Modeling of protein sequence and biophysical properties (such as structural, functional, and spatial information, amino acid conservation, physicochemical variation, residue mobility, and thermodynamic stability) indicates that this missense variant is not expected to disrupt SOX6 protein function with a negative predictive value of 80%. In summary, the available evidence is currently insufficient to determine the role of this variant in disease. Therefore, it has been classified as a Variant of Uncertain Significance.

NM_001367873.1(SOX6):c.877C>G (p.Pro293Ala)

Genes: SOX6 (SRY-box transcription factor 6; minus strand), LOC128772343 (melanoma risk locus-associated MPRA allelic enhancer 11:16133413; plus strand). Cytogenetic location: 11p15.2.
Variant type: single nucleotide variant.
Coding change: c.877C>G on transcript NM_001367873.1 (MANE Select); coding-DNA position 877, C replaced by G.
Protein change: p.Pro293Ala; replaces proline 293 with alanine.
Molecular consequence: missense variant.
Genome position (GRCh38, 1-based): chr11:16,111,824, G>C on the plus strand (C>G on the coding strand, the complement: SOX6 is on the minus strand). VCF-style: chr11-16111824-G-C. GRCh37 (hg19) VCF-style: chr11-16133370-G-C.
Other names: c.877C>G, p.Pro293Ala (NM_001145811.2, NM_001145819.2, NM_001367872.1 and 2 more transcripts); short protein forms P293A.
Identifiers: ClinVar variation 2960680 (VCV002960680.3), dbSNP rs76218238, ClinGen allele CA5898322.